The following is an entry in ClinVar:

NM_001715.3(BLK):c.67T>C (p.Trp23Arg)

Gene: BLK (BLK proto-oncogene, Src family tyrosine kinase). Cytogenetic location: 8p23.1.
Variant type: single nucleotide variant.
Coding change: c.67T>C on transcript NM_001715.3 (MANE Select); coding-DNA position 67, T replaced by C.
Protein change: p.Trp23Arg; replaces tryptophan 23 with arginine.
Molecular consequence: missense variant. On other transcripts: intron variant (1).
Genome position (GRCh38, 1-based): chr8:11,543,291, T>C. VCF-style: chr8-11543291-T-C. GRCh37 (hg19) VCF-style: chr8-11400800-T-C.
Other names: c.-90-2761T>C (NM_001330465.2); short protein forms W23R.
Identifiers: ClinVar variation 549525 (VCV000549525.10), dbSNP rs574731221, ClinGen allele CA4629647.

ClinVar aggregate classification (germline): Uncertain significance. Review status: criteria provided, multiple submitters, no conflicts (2 of 4 stars). 3 submissions from 3 submitters: Uncertain significance (3). Last evaluated 2022-09-25.

Conditions:
Monogenic diabetes. Identifiers: Orphanet 183625, MedGen C3888631, MONDO:0015967.
Maturity-onset diabetes of the young type 11. Identifiers: Orphanet 552, MedGen C3150618, MONDO:0013242, OMIM 613375.

Allele frequency attached by ClinVar (database versions not stated): ExAC 0.00001; gnomAD exomes 0.00002; gnomAD 0.00003; TOPMed 0.00005.
gnomAD v4.1: 15 of 1,613,722 alleles (0.00093%); highest among the groups gnomAD compares: Middle Eastern, 0.033%; no homozygotes.

Submissions (3):

Labcorp Genetics (formerly Invitae), Labcorp
Classification: Uncertain significance. Last evaluated: 2022-09-25. Review status: criteria provided, single submitter. Criteria: Invitae Variant Classification Sherloc (09022015). Collection method: clinical testing. Allele origin: germline.
Comment: This sequence change replaces tryptophan, which is neutral and slightly polar, with arginine, which is basic and polar, at codon 23 of the BLK protein (p.Trp23Arg). This variant is present in population databases (rs574731221, gnomAD 0.009%). This variant has not been reported in the literature in individuals affected with BLK-related conditions. ClinVar contains an entry for this variant (Variation ID: 549525). Algorithms developed to predict the effect of missense changes on protein structure and function output the following: SIFT: "Tolerated"; PolyPhen-2: "Probably Damaging"; Align-GVGD: "Class C0". The arginine amino acid residue is found in multiple mammalian species, which suggests that this missense change does not adversely affect protein function. In summary, the available evidence is currently insufficient to determine the role of this variant in disease. Therefore, it has been classified as a Variant of Uncertain Significance.

Fulgent Genetics
Classification: Uncertain significance for Maturity-onset diabetes of the young type 11. Last evaluated: 2022-03-23. Review status: criteria provided, single submitter. Criteria: ACMG Guidelines, 2015. Collection method: clinical testing. Allele origin: unknown.

Personalized Diabetes Medicine Program, University of Maryland School of Medicine
Classification: Uncertain significance for Monogenic diabetes. Last evaluated: 2017-01-07. Review status: criteria provided, single submitter. Criteria: ACMG Guidelines, 2015. Collection method: research. Allele origin: unknown. Observed: 1 variant allele, 1 heterozygote. Study: Personalized Diabetes Medicine Program.
Comment: ACMG Criteria:PP3 (4 predictors), BP4 (7 predictors)